The following is an entry in ClinVar:

ClinVar aggregate classification (germline): Uncertain significance (1 of 4 stars; one submission).

Allele frequency attached by ClinVar (database versions not stated): TOPMed below 0.00001.
gnomAD v4.1: 1 of 1,613,958 alleles (0.000062%); highest among the groups gnomAD compares: Non-Finnish European, 0.000085%; no homozygotes.

Submission:

Labcorp Genetics (formerly Invitae), Labcorp
Classification: Uncertain significance. Last evaluated: 2022-06-23. Review status: criteria provided, single submitter. Criteria: Invitae Variant Classification Sherloc (09022015). Collection method: clinical testing. Allele origin: germline.
Comment: In summary, the available evidence is currently insufficient to determine the role of this variant in disease. Therefore, it has been classified as a Variant of Uncertain Significance. Algorithms developed to predict the effect of missense changes on protein structure and function are either unavailable or do not agree on the potential impact of this missense change (SIFT: "Not Available"; PolyPhen-2: "Possibly Damaging"; Align-GVGD: "Not Available"). This variant has not been reported in the literature in individuals affected with IFT52-related conditions. This variant is not present in population databases (gnomAD no frequency). This sequence change replaces histidine, which is basic and polar, with tyrosine, which is neutral and polar, at codon 217 of the IFT52 protein (p.His217Tyr).

NM_016004.5(IFT52):c.649C>T (p.His217Tyr)

Gene: IFT52 (intraflagellar transport 52; plus strand). Cytogenetic location: 20q13.12.
Variant type: single nucleotide variant.
Coding change: c.649C>T on transcript NM_016004.5 (MANE Select); coding-DNA position 649, C replaced by T.
Protein change: p.His217Tyr; replaces histidine 217 with tyrosine.
Molecular consequence: missense variant. On other transcripts: 5 prime UTR variant (2).
Genome position (GRCh38, 1-based): chr20:43,618,976, C>T. VCF-style: chr20-43618976-C-T. GRCh37 (hg19) VCF-style: chr20-42247616-C-T.
Other names: c.649C>T, p.His217Tyr (NM_001303458.3, NM_001303459.3); c.121C>T, p.His41Tyr (NM_001323578.2, NM_001323580.2); c.-3C>T (NM_001323579.2, NM_001323581.2); short protein forms H41Y, H217Y.
Identifiers: ClinVar variation 2177345 (VCV002177345.2), dbSNP rs1394205633, ClinGen allele CA409084888.